The following is an entry in ClinVar:

NM_001378120.1(MBD5):c.4115C>T (p.Ala1372Val)

Gene: MBD5 (methyl-CpG binding domain protein 5; plus strand). Cytogenetic location: 2q23.1.
Variant type: single nucleotide variant.
Coding change: c.4115C>T on transcript NM_001378120.1 (MANE Select); coding-DNA position 4115, C replaced by T.
Protein change: p.Ala1372Val; replaces alanine 1372 with valine.
Molecular consequence: missense variant.
Genome position (GRCh38, 1-based): chr2:148,489,747, C>T. VCF-style: chr2-148489747-C-T. GRCh37 (hg19) VCF-style: chr2-149247316-C-T.
Other names: c.3416C>T, p.Ala1139Val (NM_018328.5); short protein forms A1372V, A1139V.
Identifiers: ClinVar variation 1394973 (VCV001394973.6), dbSNP rs1363547537, ClinGen allele CA348728054.

ClinVar aggregate classification (germline): Uncertain significance (1 of 4 stars; one submission).

Conditions:
Intellectual developmental disorder, autosomal dominant 1. Also called: Intellectual disability, autosomal dominant 1; MBD5 Haploinsufficiency. Identifiers: Orphanet 228402, MedGen C1969562, MONDO:0007974, OMIM 156200.

Allele frequency attached by ClinVar (database versions not stated): gnomAD exomes below 0.00001.
gnomAD v4.1: 1 of 1,614,164 alleles (0.000062%); highest among the groups gnomAD compares: African/African-American, 0.0013%; no homozygotes.

Submission:

Labcorp Genetics (formerly Invitae), Labcorp
Classification: Uncertain significance for Intellectual developmental disorder, autosomal dominant 1. Last evaluated: 2022-10-26. Review status: criteria provided, single submitter. Criteria: Invitae Variant Classification Sherloc (09022015). Collection method: clinical testing. Allele origin: germline.
Comment: Algorithms developed to predict the effect of missense changes on protein structure and function are either unavailable or do not agree on the potential impact of this missense change (SIFT: "Deleterious"; PolyPhen-2: "Not Available"; Align-GVGD: "Class C55"). ClinVar contains an entry for this variant (Variation ID: 1394973). This variant has not been reported in the literature in individuals affected with MBD5-related conditions. This variant is present in population databases (no rsID available, gnomAD 0.007%). This sequence change replaces alanine, which is neutral and non-polar, with valine, which is neutral and non-polar, at codon 1139 of the MBD5 protein (p.Ala1139Val). In summary, the available evidence is currently insufficient to determine the role of this variant in disease. Therefore, it has been classified as a Variant of Uncertain Significance.